The following is an entry in ClinVar:

ClinVar aggregate classification (germline): Likely benign (1 of 4 stars; one submission).

Allele frequency attached by ClinVar (database versions not stated): gnomAD exomes 0.00001.
gnomAD v4.1: 3 of 1,612,532 alleles (0.00019%); highest among the groups gnomAD compares: Non-Finnish European, 0.00025%; no homozygotes.

Submission:

GeneDx
Classification: Likely benign. Last evaluated: 2018-03-23. Review status: criteria provided, single submitter. Criteria: GeneDx Variant Classification (06012015). Collection method: clinical testing. Allele origin: germline. Affected: yes.
Comment: This variant is considered likely benign or benign based on one or more of the following criteria: it is a conservative change, it occurs at a poorly conserved position in the protein, it is predicted to be benign by multiple in silico algorithms, and/or has population frequency not consistent with disease.

NM_000069.3(CACNA1S):c.3609+11G>A

Gene: CACNA1S (calcium voltage-gated channel subunit alpha1 S; minus strand). Cytogenetic location: 1q32.1.
Variant type: single nucleotide variant.
Coding change: c.3609+11G>A on transcript NM_000069.3 (MANE Select); 11 bases into the intron after coding-DNA position 3609, G replaced by A.
Molecular consequence: intron variant.
Genome position (GRCh38, 1-based): chr1:201,058,397, C>T on the plus strand (G>A on the coding strand, the complement: CACNA1S is on the minus strand). VCF-style: chr1-201058397-C-T. GRCh37 (hg19) VCF-style: chr1-201027525-C-T.
Identifiers: ClinVar variation 681092 (VCV000681092.1), dbSNP rs1572032981, ClinGen allele CA915941961.